The following is an entry in ClinVar:

NM_000860.6(HPGD):c.93+1_93+3dup

Gene: HPGD (15-hydroxyprostaglandin dehydrogenase; minus strand). Cytogenetic location: 4q34.1.
Variant type: Duplication.
Coding change: c.93+1_93+3dup on transcript NM_000860.6 (MANE Select); the canonical splice donor site of the intron after coding-DNA position 93 through 3 bases into the intron after coding-DNA position 93, 3 bases duplicated (GTA; older notation c.93+1_93+3dupGTA).
Molecular consequence: splice donor variant. On other transcripts: intron variant (1).
Genome position (GRCh38, 1-based): chr4:174,522,356-174,522,358, TAC duplicated on the plus strand (GTA on the coding strand, the reverse complement: HPGD is on the minus strand). VCF-style (leftmost placement, unchanged base first): chr4-174522355-T-TTAC. GRCh37 (hg19) VCF-style: chr4-175443506-T-TTAC.
Other names: NC_000004.11:g.175443507_175443509dup; c.93+1_93+3dup (NM_001256306.2, NM_001256305.2, NM_001145816.3 and 1 more transcripts); c.-164+1_-164+3dup (NM_001256307.2); c.-271+266_-271+268dup (NM_001256301.1).
Identifiers: ClinVar variation 193125 (VCV000193125.19), dbSNP rs70947447, ClinGen allele CA200333.

ClinVar aggregate classification (germline): Benign/Likely benign. Review status: criteria provided, multiple submitters, no conflicts (2 of 4 stars). 4 submissions from 4 submitters: Benign (2); Likely benign (2). Last evaluated 2026-04-01.

Allele frequency attached by ClinVar (database versions not stated): ESP Exome Variant Server 0.00082; gnomAD exomes 0.00173 and 0.00231; 1000 Genomes Project 0.00200; gnomAD 0.00201 and 0.00206; 1000 Genomes Project 30x 0.00234; TOPMed 0.00258; ExAC 0.00512.

Submissions (5):

CeGaT Center for Human Genetics Tuebingen
Classification: Benign. Last evaluated: 2026-04-01. Review status: criteria provided, single submitter. Criteria: CeGaT Center For Human Genetics Tuebingen Variant Classification Criteria Version 2. Collection method: clinical testing. Allele origin: germline. Affected: yes. Observed: 2 variant alleles.
Comment: HPGD: BS1, BS2

Labcorp Genetics (formerly Invitae), Labcorp
Classification: Likely benign. Last evaluated: 2026-01-14. Review status: criteria provided, single submitter. Criteria: Invitae Variant Classification Sherloc (09022015). Collection method: clinical testing. Allele origin: germline.

Blueprint Genetics
Classification: Likely benign. Last evaluated: 2024-11-22. Review status: criteria provided, single submitter. Criteria: ACMG Guidelines, 2015. Collection method: clinical testing. Allele origin: germline.

Eurofins Ntd Llc (ga)
Classification: Benign. Last evaluated: 2015-06-08. Review status: criteria provided, single submitter. Criteria: EGL Classification Definitions. Collection method: clinical testing. Allele origin: germline. Observed: 1 variant allele, 1 heterozygote.

Dr. Peter K. Rogan Lab, Western University
No classification provided (evidence only). Condition: Familial pancreatic carcinoma. Review status: no classification provided. Collection method: in vitro. Allele origin: not applicable. Functional consequence: retained intron. Not counted in ClinVar's aggregate classification.